The following is an entry in ClinVar:

NM_173651.4(FSIP2):c.2319_2320del (p.Cys774_Val775insTer)

Genes: FSIP2 (fibrous sheath interacting protein 2; plus strand), FSIP2-AS1 (FSIP2 antisense RNA 1; minus strand). Cytogenetic location: 2q32.1.
Variant type: Deletion.
Coding change: c.2319_2320del on transcript NM_173651.4 (MANE Select); coding-DNA positions 2319 to 2320, 2 bases deleted (AT; older notation c.2319_2320delAT).
Protein change: p.Cys774_Val775insTer.
Molecular consequence: frameshift variant.
Genome position (GRCh38, 1-based): chr2:185,789,455-185,789,456, AT deleted. VCF-style (leftmost placement, unchanged base first): chr2-185789454-AAT-A. GRCh37 (hg19) VCF-style: chr2-186654181-AAT-A.
Identifiers: ClinVar variation 5018786 (VCV005018786.1).

ClinVar aggregate classification (germline): Likely pathogenic (1 of 4 stars; one submission).

Conditions:
Spermatogenic failure 34. Identifiers: MedGen C4748403, MONDO:0029148, OMIM 618153.

Submission:

Juno Genomics, Hangzhou Juno Genomics, Inc
Classification: Likely pathogenic for Spermatogenic failure 34. Review status: criteria provided, single submitter. Criteria: ACMG Guidelines, 2015. Collection method: clinical testing. Allele origin: germline. Affected: yes.
Comment: Absent from controls (or at extremely low frequency if recessive) in Genome Aggregation Database.;Null variant in a gene where loss of function (LOF) is a known mechanism of disease.